The following is an entry in ClinVar:

NM_004360.5(CDH1):c.1103C>G (p.Thr368Ser)

Gene: CDH1 (cadherin 1; plus strand). Cytogenetic location: 16q22.1.
Variant type: single nucleotide variant.
Coding change: c.1103C>G on transcript NM_004360.5 (MANE Select); coding-DNA position 1103, C replaced by G.
Protein change: p.Thr368Ser; replaces threonine 368 with serine.
Molecular consequence: missense variant. On other transcripts: 5 prime UTR variant (2).
Genome position (GRCh38, 1-based): chr16:68,812,229, C>G. VCF-style: chr16-68812229-C-G. GRCh37 (hg19) VCF-style: chr16-68846132-C-G.
Other names: c.1103C>G (LRG_301t1); c.1103C>G, p.Thr368Ser (NM_001317184.2); c.-513C>G (NM_001317185.2); c.-717C>G (NM_001317186.2); short protein forms T368S.
Identifiers: ClinVar variation 463699 (VCV000463699.23), dbSNP rs367868307, ClinGen allele CA8129996.

ClinVar aggregate classification (germline): Conflicting classifications of pathogenicity. Review status: criteria provided, conflicting classifications (1 of 4 stars). 6 submissions from 6 submitters: Uncertain significance (5); Likely benign (1). Last evaluated 2025-08-11.

Conditions:
Hereditary cancer-predisposing syndrome. Also called: Hereditary neoplastic syndrome; Neoplastic Syndromes, Hereditary; Tumor predisposition; Hereditary Cancer Syndrome. Identifiers: Orphanet 140162, MedGen C0027672, MeSH D009386, MONDO:0015356.
Hereditary diffuse gastric adenocarcinoma (HDGC). Also called: DIFFUSE GASTRIC AND LOBULAR BREAST CANCER SYNDROME. Identifiers: Orphanet 26106, MedGen C1708349, MONDO:0007648, OMIM 137215.
Familial cancer of breast. Also called: BREAST CANCER, FAMILIAL; hereditary breast carcinoma; Hereditary breast cancer. Identifiers: Orphanet 227535, MedGen C0346153, MONDO:0016419, OMIM 114480. Disease mechanism: loss of function.

Allele frequency attached by ClinVar (database versions not stated): gnomAD exomes below 0.00001; ExAC 0.00001; ESP Exome Variant Server 0.00008.
gnomAD v4.1: 1 of 1,614,150 alleles (0.000062%); highest among the groups gnomAD compares: Non-Finnish European, 0.000085%; no homozygotes.

Submissions (6):

Labcorp Genetics (formerly Invitae), Labcorp
Classification: Uncertain significance for Hereditary diffuse gastric adenocarcinoma. Last evaluated: 2025-08-11. Review status: criteria provided, single submitter. Criteria: Invitae Variant Classification Sherloc (09022015). Collection method: clinical testing. Allele origin: germline.
Comment: This sequence change replaces threonine, which is neutral and polar, with serine, which is neutral and polar, at codon 368 of the CDH1 protein (p.Thr368Ser). This variant is present in population databases (rs367868307, gnomAD 0.0009%). This missense change has been observed in individual(s) with breast cancer (PMID: 29522266). ClinVar contains an entry for this variant (Variation ID: 463699). An algorithm developed to predict the effect of missense changes on protein structure and function outputs the following: PolyPhen-2: "Benign". The serine amino acid residue is found in multiple mammalian species, which suggests that this missense change does not adversely affect protein function. In summary, the available evidence is currently insufficient to determine the role of this variant in disease. Therefore, it has been classified as a Variant of Uncertain Significance.

Women's Health and Genetics/Laboratory Corporation of America, LabCorp
Classification: Uncertain significance. Last evaluated: 2025-06-20. Review status: criteria provided, single submitter. Criteria: LabCorp Variant Classification Summary - May 2015. Collection method: clinical testing. Allele origin: germline.

Color Diagnostics, LLC DBA Color Health
Classification: Uncertain significance for Hereditary cancer-predisposing syndrome. Last evaluated: 2025-03-10. Review status: criteria provided, single submitter. Criteria: ACMG Guidelines, 2015. Collection method: clinical testing. Allele origin: germline.
Comment: This missense variant replaces threonine with serine at codon 368 of the CDH1 protein. To our knowledge, functional studies have not been reported for this variant. This variant has been detected in an individual affected with breast cancer (PMID: 29522266) and in an individual older than age 70 years who has never had cancer (FLOSSIES database). This variant also has been detected in a breast cancer case-control meta-analysis in 0/60466 cases and 2/53461 unaffected individuals (PMID: 33471991; Leiden Open Variation Database DB-ID CDH1_000533). This variant has been identified in 1/251478 chromosomes in the general population by the Genome Aggregation Database (gnomAD). The available evidence is insufficient to determine the role of this variant in disease conclusively. Therefore, this variant is classified as a Variant of Uncertain Significance.

Ambry Genetics
Classification: Likely benign for Hereditary cancer-predisposing syndrome. Last evaluated: 2025-01-30. Review status: criteria provided, single submitter. Criteria: Ambry Variant Classification Scheme 2023. Collection method: clinical testing. Allele origin: germline.

GeneDx
Classification: Uncertain significance. Last evaluated: 2023-05-16. Review status: criteria provided, single submitter. Criteria: GeneDx Variant Classification Process June 2021. Collection method: clinical testing. Allele origin: germline. Affected: yes.
Comment: Identified in a cohort of breast cancer patients, but familial segregation information and additional clinical information were not included (Hauke et al., 2018); Not observed at significant frequency in large population cohorts (gnomAD); In silico analysis supports that this missense variant does not alter protein structure/function; This variant is associated with the following publications: (PMID: 22850631, 29522266)

MGZ Medical Genetics Center
Classification: Uncertain significance for Familial cancer of breast. Last evaluated: 2022-04-13. Review status: criteria provided, single submitter. Criteria: ACMG Guidelines, 2015. Collection method: clinical testing. Allele origin: germline. Affected: yes. Observed: 1 variant allele.
Comment: ACMG criteria applied: PS4_SUP, BP4

Literature cited by the submitters: PubMed 29522266 (cited by 3 submitters); PubMed 33471991 (cited by Color Diagnostics, LLC DBA Color Health).